The following is an entry in ClinVar:

NM_001035.3(RYR2):c.8346G>A (p.Met2782Ile)

Gene: RYR2 (ryanodine receptor 2; plus strand). Cytogenetic location: 1q43.
Variant type: single nucleotide variant.
Coding change: c.8346G>A on transcript NM_001035.3 (MANE Select); coding-DNA position 8346, G replaced by A.
Protein change: p.Met2782Ile; replaces methionine 2782 with isoleucine.
Molecular consequence: missense variant.
Genome position (GRCh38, 1-based): chr1:237,660,857, G>A. VCF-style: chr1-237660857-G-A. GRCh37 (hg19) VCF-style: chr1-237824157-G-A.
Other names: short protein forms M2782I.
Identifiers: ClinVar variation 1046872 (VCV001046872.10), dbSNP rs1683716140, ClinGen allele CA345401832.

ClinVar aggregate classification (germline): Uncertain significance (1 of 4 stars; one submission).

Conditions:
Catecholaminergic polymorphic ventricular tachycardia 1. Also called: VENTRICULAR TACHYCARDIA, CATECHOLAMINERGIC POLYMORPHIC, 1, WITH OR WITHOUT ATRIAL DYSFUNCTION AND/OR DILATED CARDIOMYOPATHY; VENTRICULAR TACHYCARDIA, STRESS-INDUCED POLYMORPHIC 1; RYR2-Related Catecholaminergic Polymorphic Ventricular Tachycardia. Identifiers: Orphanet 3286, MedGen C1631597, MONDO:0011484, OMIM 604772.

Allele frequency attached by ClinVar (database versions not stated): gnomAD exomes below 0.00001.
gnomAD v4.1: 1 of 1,547,118 alleles (0.000065%); no homozygotes.

Submission:

Labcorp Genetics (formerly Invitae), Labcorp
Classification: Uncertain significance for Catecholaminergic polymorphic ventricular tachycardia 1. Last evaluated: 2020-10-07. Review status: criteria provided, single submitter. Criteria: Invitae Variant Classification Sherloc (09022015). Collection method: clinical testing. Allele origin: germline.
Comment: This sequence change replaces methionine with isoleucine at codon 2782 of the RYR2 protein (p.Met2782Ile). The methionine residue is highly conserved and there is a small physicochemical difference between methionine and isoleucine. This variant is not present in population databases (ExAC no frequency). This variant has not been reported in the literature in individuals with RYR2-related conditions. Algorithms developed to predict the effect of missense changes on protein structure and function are either unavailable or do not agree on the potential impact of this missense change (SIFT: "Deleterious"; PolyPhen-2: "Possibly Damaging"; Align-GVGD: "Class C0"). In summary, the available evidence is currently insufficient to determine the role of this variant in disease. Therefore, it has been classified as a Variant of Uncertain Significance.